The following is an entry in ClinVar:

ClinVar aggregate classification (germline): Uncertain significance (1 of 4 stars; one submission).

Conditions:
Inborn genetic diseases. Identifiers: MedGen C0950123, MeSH D030342.

Submission:

Ambry Genetics
Classification: Uncertain significance for Inborn genetic diseases. Last evaluated: 2021-03-26. Review status: criteria provided, single submitter. Criteria: Ambry Variant Classification Scheme 2023. Collection method: clinical testing. Allele origin: germline.
Comment: The c.890A>G (p.K297R) alteration is located in exon 9 (coding exon 9) of the EXOSC9 gene. This alteration results from a A to G substitution at nucleotide position 890, causing the lysine (K) at amino acid position 297 to be replaced by an arginine (R). The p.K297R alteration is predicted to be tolerated by in silico analysis. Based on insufficient or conflicting evidence, the clinical significance of this alteration remains unclear.

NM_005033.3(EXOSC9):c.890A>G (p.Lys297Arg)

Gene: EXOSC9 (exosome component 9; plus strand). Cytogenetic location: 4q27.
Variant type: single nucleotide variant.
Coding change: c.890A>G on transcript NM_005033.3 (MANE Select); coding-DNA position 890, A replaced by G.
Protein change: p.Lys297Arg; replaces lysine 297 with arginine.
Molecular consequence: missense variant.
Genome position (GRCh38, 1-based): chr4:121,813,296, A>G. VCF-style: chr4-121813296-A-G. GRCh37 (hg19) VCF-style: chr4-122734451-A-G.
Other names: c.890A>G, p.Lys297Arg (NM_001034194.2); short protein forms K297R.
Identifiers: ClinVar variation 2229711 (VCV002229711.2), dbSNP rs2476773509, ClinGen allele CA358045690.